The following is an entry in ClinVar:

ClinVar aggregate classification (germline): Likely benign. Review status: criteria provided, multiple submitters, no conflicts (2 of 4 stars). 4 submissions from 4 submitters: Likely benign (3). 1 of the submissions does not count toward it. Last evaluated 2025-10-17.

Conditions:
TTN-related disorder. Also called: TTN-related disease; TTN-related disorders; TTN-related condition.
Cardiovascular phenotype. Identifiers: MedGen CN230736.
Dilated cardiomyopathy 1G (CMD1G). Identifiers: Orphanet 154, MedGen C1858763, MONDO:0011400, OMIM 604145.
Autosomal recessive limb-girdle muscular dystrophy type 2J (LGMDR10). Also called: Limb-girdle muscular dystrophy, type 2J; MUSCULAR DYSTROPHY, LIMB-GIRDLE, AUTOSOMAL RECESSIVE 10. Identifiers: Orphanet 140922, MedGen C1837342, MONDO:0012127, OMIM 608807.

Allele frequency attached by ClinVar (database versions not stated): gnomAD exomes below 0.00001; ExAC 0.00001; gnomAD 0.00003 and 0.00004; TOPMed 0.00003.
gnomAD v4.1: 4 of 1,613,900 alleles (0.00025%); highest among the groups gnomAD compares: African/African-American, 0.0053%; no homozygotes.

Submissions (4):

Labcorp Genetics (formerly Invitae), Labcorp
Classification: Likely benign for Dilated cardiomyopathy 1G; Autosomal recessive limb-girdle muscular dystrophy type 2J. Last evaluated: 2025-10-17. Review status: criteria provided, single submitter. Criteria: Invitae Variant Classification Sherloc (09022015). Collection method: clinical testing. Allele origin: germline.

Ambry Genetics
Classification: Likely benign for Cardiovascular phenotype. Last evaluated: 2022-04-01. Review status: criteria provided, single submitter. Criteria: Ambry Variant Classification Scheme 2023. Collection method: clinical testing. Allele origin: germline.

Laboratory for Molecular Medicine, Mass General Brigham Personalized Medicine
Classification: Likely benign. Last evaluated: 2012-11-28. Review status: criteria provided, single submitter. Criteria: LMM Criteria. Collection method: clinical testing. Allele origin: germline. Observed: 1 variant allele.
Comment: Thr961Thr in exon 18 of TTN: This variant is not expected to have clinical signi ficance because it does not alter an amino acid residue and is not located withi n the splice consensus sequence. Thr961Thr in exon 18 of TTN (allele frequency = n/a)

PreventionGenetics, part of Exact Sciences
Classification: Likely benign for TTN-related condition. Last evaluated: 2019-08-13. Review status: no assertion criteria provided. Collection method: clinical testing. Allele origin: germline. Not counted in ClinVar's aggregate classification.
Comment: This variant is classified as likely benign based on ACMG/AMP sequence variant interpretation guidelines (Richards et al. 2015 PMID: 25741868, with internal and published modifications).

NM_001267550.2(TTN):c.2883C>T (p.Thr961=)

Gene: TTN (titin; minus strand). Cytogenetic location: 2q31.2.
Variant type: single nucleotide variant.
Coding change: c.2883C>T on transcript NM_001267550.2 (MANE Select); coding-DNA position 2883, C replaced by T.
Protein change: p.Thr961=; no amino-acid change (threonine 961 retained).
Molecular consequence: synonymous variant.
Genome position (GRCh38, 1-based): chr2:178,783,023, G>A on the plus strand (C>T on the coding strand, the complement: TTN is on the minus strand). VCF-style: chr2-178783023-G-A. GRCh37 (hg19) VCF-style: chr2-179647750-G-A.
Other names: c.2883C>T, p.Thr961= (NM_133378.4, NM_001256850.1, NM_133379.5); c.2745C>T, p.Thr915= (NM_003319.4, NM_133432.3, NM_133437.4).
Identifiers: ClinVar variation 46872 (VCV000046872.17), dbSNP rs397517541, ClinGen allele CA139401.